The following is an entry in ClinVar:

ClinVar aggregate classification (germline): Likely benign (0 of 4 stars; one submission).

Conditions:
DTNA-related disorder. Also called: DTNA-related condition.

Allele frequency attached by ClinVar (database versions not stated): gnomAD 0.00002; TOPMed 0.00002; ExAC 0.00032.
gnomAD v4.1: 35 of 1,535,954 alleles (0.0023%); highest among the groups gnomAD compares: East Asian, 0.0024%; no homozygotes.

Submission:

PreventionGenetics, part of Exact Sciences
Classification: Likely benign for DTNA-related condition. Last evaluated: 2022-02-23. Review status: no assertion criteria provided. Collection method: clinical testing. Allele origin: germline.
Comment: This variant is classified as likely benign based on ACMG/AMP sequence variant interpretation guidelines (Richards et al. 2015 PMID: 25741868, with internal and published modifications).

NM_001386795.1(DTNA):c.*2605C>T

Gene: DTNA (dystrobrevin alpha; plus strand). Cytogenetic location: 18q12.1.
Variant type: single nucleotide variant.
Coding change: c.*2605C>T on transcript NM_001386795.1 (MANE Select); 2605 bases downstream of the stop codon, C replaced by T.
Molecular consequence: 3 prime UTR variant. On other transcripts: missense variant (2).
Genome position (GRCh38, 1-based): chr18:34,890,339, C>T. VCF-style: chr18-34890339-C-T. GRCh37 (hg19) VCF-style: chr18-32470303-C-T.
Other names: c.2074C>T, p.Pro692Ser (NM_001198938.2, NM_001386753.1); c.*2605C>T (NM_001198939.2, NM_001198940.2, NM_001198942.1 and 12 more transcripts); c.*71C>T (NM_001386755.1, NM_001386756.1, NM_001386759.1 and 7 more transcripts); short protein forms P692S.
Identifiers: ClinVar variation 3031956 (VCV003031956.2), dbSNP rs776661227, ClinGen allele CA8936011.
Genomic context (GRCh38, chr18:34,890,339, plus strand): 5'-GCCACCTTTTCTCTCTCTTAGCTCCACGTCAGCACTGAGACCAGACTCGAGCACCCCTGT[C>T]CTGTAAGCGAGACAAAATGGCGTGTGTTATTTTGGGGTTTTGTGTTTTTTGGTGGGTTTC-3'